The following is an entry in ClinVar:

NM_004526.4(MCM2):c.448A>G (p.Lys150Glu)

Gene: MCM2 (minichromosome maintenance complex component 2; plus strand). Cytogenetic location: 3q21.3.
Variant type: single nucleotide variant.
Coding change: c.448A>G on transcript NM_004526.4 (MANE Select); coding-DNA position 448, A replaced by G.
Protein change: p.Lys150Glu; replaces lysine 150 with glutamic acid.
Molecular consequence: missense variant. On other transcripts: non-coding transcript variant (1).
Genome position (GRCh38, 1-based): chr3:127,604,931, A>G. VCF-style: chr3-127604931-A-G. GRCh37 (hg19) VCF-style: chr3-127323774-A-G.
Other names: short protein forms K150E.
Identifiers: ClinVar variation 1449354 (VCV001449354.8), dbSNP rs550029272, ClinGen allele CA83307738.

ClinVar aggregate classification (germline): Uncertain significance (1 of 4 stars; one submission).

Allele frequency attached by ClinVar (database versions not stated): gnomAD exomes below 0.00001 and 0.00001; gnomAD 0.00001; TOPMed 0.00002; 1000 Genomes Project 30x 0.00016; 1000 Genomes Project 0.00020.

Submission:

Labcorp Genetics (formerly Invitae), Labcorp
Classification: Uncertain significance. Last evaluated: 2021-07-25. Review status: criteria provided, single submitter. Criteria: Invitae Variant Classification Sherloc (09022015). Collection method: clinical testing. Allele origin: germline.
Comment: This sequence change replaces lysine with glutamic acid at codon 150 of the MCM2 protein (p.Lys150Glu). The lysine residue is moderately conserved and there is a small physicochemical difference between lysine and glutamic acid. This variant is not present in population databases (ExAC no frequency). This variant has not been reported in the literature in individuals affected with MCM2-related conditions. Algorithms developed to predict the effect of missense changes on protein structure and function are either unavailable or do not agree on the potential impact of this missense change (SIFT: "Deleterious"; PolyPhen-2: "Possibly Damaging"; Align-GVGD: "Class C0"). In summary, the available evidence is currently insufficient to determine the role of this variant in disease. Therefore, it has been classified as a Variant of Uncertain Significance.